The following is an entry in ClinVar:

ClinVar aggregate classification (germline): Uncertain significance (1 of 4 stars; one submission).

Conditions:
Dilated cardiomyopathy 1O (CMD1O). Also called: CARDIOMYOPATHY, DILATED, WITH VENTRICULAR TACHYCARDIA. Identifiers: Orphanet 154, MedGen C1837839, MONDO:0012062, OMIM 608569.

Allele frequency attached by ClinVar (database versions not stated): gnomAD exomes below 0.00001.
gnomAD v4.1: 2 of 1,609,178 alleles (0.00012%); highest among the groups gnomAD compares: South Asian, 0.0022%; no homozygotes.

Submission:

Labcorp Genetics (formerly Invitae), Labcorp
Classification: Uncertain significance for Dilated cardiomyopathy 1O. Last evaluated: 2023-07-31. Review status: criteria provided, single submitter. Criteria: Invitae Variant Classification Sherloc (09022015). Collection method: clinical testing. Allele origin: germline.
Comment: In summary, the available evidence is currently insufficient to determine the role of this variant in disease. Therefore, it has been classified as a Variant of Uncertain Significance. An algorithm developed to predict the effect of missense changes on protein structure and function (PolyPhen-2) suggests that this variant is likely to be disruptive. This variant has not been reported in the literature in individuals affected with ABCC9-related conditions. This variant is not present in population databases (gnomAD no frequency). This sequence change replaces glutamine, which is neutral and polar, with glutamic acid, which is acidic and polar, at codon 440 of the ABCC9 protein (p.Gln440Glu).

NM_020297.4(ABCC9):c.1318C>G (p.Gln440Glu)

Gene: ABCC9 (ATP binding cassette subfamily C member 9; minus strand). Cytogenetic location: 12p12.1.
Variant type: single nucleotide variant.
Coding change: c.1318C>G on transcript NM_020297.4 (MANE Select); coding-DNA position 1318, C replaced by G.
Protein change: p.Gln440Glu; replaces glutamine 440 with glutamic acid.
Molecular consequence: missense variant.
Genome position (GRCh38, 1-based): chr12:21,910,159, G>C on the plus strand (C>G on the coding strand, the complement: ABCC9 is on the minus strand). VCF-style: chr12-21910159-G-C. GRCh37 (hg19) VCF-style: chr12-22063093-G-C.
Other names: c.1318C>G, p.Gln440Glu (NM_001377273.1, NM_005691.4); c.454C>G, p.Gln152Glu (NM_001377274.1); short protein forms Q152E, Q440E.
Identifiers: ClinVar variation 2757804 (VCV002757804.3), dbSNP rs1565474261, ClinGen allele CA384117589.